The following is an entry in ClinVar:

NM_018255.4(ELP2):c.2182G>A (p.Val728Ile)

Gene: ELP2 (elongator acetyltransferase complex subunit 2; plus strand). Cytogenetic location: 18q12.2.
Variant type: single nucleotide variant.
Coding change: c.2182G>A on transcript NM_018255.4 (MANE Select); coding-DNA position 2182, G replaced by A.
Protein change: p.Val728Ile; replaces valine 728 with isoleucine.
Molecular consequence: missense variant. On other transcripts: non-coding transcript variant (3).
Genome position (GRCh38, 1-based): chr18:36,170,168, G>A. VCF-style: chr18-36170168-G-A. GRCh37 (hg19) VCF-style: chr18-33750131-G-A.
Other names: c.2104G>A, p.Val702Ile (NM_001242877.3); c.1972G>A, p.Val658Ile (NM_001242878.3, NM_001242879.3); c.2050G>A, p.Val684Ile (NM_001324465.2); c.2299G>A, p.Val767Ile (NM_001324466.2); c.2032G>A, p.Val678Ile (NM_001324467.2); c.1735G>A, p.Val579Ile (NM_001324468.2); c.2377G>A, p.Val793Ile (NM_001242875.3); c.2167G>A, p.Val723Ile (NM_001242876.3); short protein forms V579I, V658I, V678I, V684I, V702I, V723I, V728I, V767I.
Identifiers: ClinVar variation 3364226 (VCV003364226.2).
Genomic context (GRCh38, chr18:36,170,168, plus strand): 5'-CACAACATTGGCCCCTGCTCCTCAGTCCTGGACGTGGGTGGGGCTGTGACAGCTGTCAGC[G>A]TCTGCCCAGTGCTCCACCCTTCTCAACGGTCAGTCTCTGTGTGGGGCTTAGTTTTAAGAG-3'
Protein context (NP_060725.1, residues 718-738): DVGGAVTAVS[Val728Ile]CPVLHPSQRY

ClinVar aggregate classification (germline): Uncertain significance. Review status: criteria provided, multiple submitters, no conflicts (2 of 4 stars). 2 submissions from 2 submitters: Uncertain significance (2). Last evaluated 2025-08-06.

Conditions:
Inborn genetic diseases. Identifiers: MedGen C0950123, MeSH D030342.

gnomAD v4.1: 56 of 1,613,950 alleles (0.0035%); highest among the groups gnomAD compares: Middle Eastern, 0.016%; no homozygotes.

Submissions (2):

Ambry Genetics
Classification: Uncertain significance for Inborn genetic diseases. Last evaluated: 2025-08-06. Review status: criteria provided, single submitter. Criteria: Ambry Variant Classification Scheme 2023. Collection method: clinical testing. Allele origin: germline.

GeneDx
Classification: Uncertain significance. Last evaluated: 2023-11-10. Review status: criteria provided, single submitter. Criteria: GeneDx Variant Classification Process June 2021. Collection method: clinical testing. Allele origin: germline. Affected: yes.
Comment: In silico analysis supports that this missense variant does not alter protein structure/function; Has not been previously published as pathogenic or benign to our knowledge